The following is an entry in ClinVar:

ClinVar aggregate classification (germline): Likely benign (1 of 4 stars; one submission).

Conditions:
Junctional epidermolysis bullosa. Identifiers: Orphanet 305, MedGen C0079301, MONDO:0017612.

Allele frequency attached by ClinVar (database versions not stated): 1000 Genomes Project 0.00300; gnomAD 0.00465 and 0.00435; 1000 Genomes Project 30x 0.00281; TOPMed 0.00448.

Submission:

Illumina Laboratory Services, Illumina
Classification: Likely benign for Junctional epidermolysis bullosa. Last evaluated: 2018-01-13. Review status: criteria provided, single submitter. Criteria: ICSL Variant Classification Criteria 13 December 2019. Collection method: clinical testing. Allele origin: germline.
Comment: This variant was observed in the ICSL laboratory as part of a predisposition screen in an ostensibly healthy population. It had not been previously curated by ICSL or reported in the Human Gene Mutation Database (HGMD: prior to June 1st, 2018), and was therefore a candidate for classification through an automated scoring system. Utilizing variant allele frequency, disease prevalence and penetrance estimates, and inheritance mode, an automated score was calculated to assess if this variant is too frequent to cause the disease. Based on the score and internal cut-off values, a variant classified as likely benign is not then subjected to further curation. The score for this variant resulted in a classification of likely benign for this disease.

NM_005562.3(LAMC2):c.*1011T>C

Gene: LAMC2 (laminin subunit gamma 2; plus strand). Cytogenetic location: 1q25.3.
Variant type: single nucleotide variant.
Coding change: c.*1011T>C on transcript NM_005562.3 (MANE Select); 1011 bases downstream of the stop codon, T replaced by C.
Molecular consequence: 3 prime UTR variant.
Genome position (GRCh38, 1-based): chr1:183,244,411, T>C. VCF-style: chr1-183244411-T-C. GRCh37 (hg19) VCF-style: chr1-183213546-T-C.
Identifiers: ClinVar variation 294040 (VCV000294040.5), dbSNP rs115403627, ClinGen allele CA10608953.